The following is an entry in ClinVar:

ClinVar aggregate classification (germline): Pathogenic. Review status: criteria provided, multiple submitters, no conflicts (2 of 4 stars). 2 submissions from 2 submitters: Pathogenic (2). Last evaluated 2024-02-14.

Conditions:
3-Oxo-5 alpha-steroid delta 4-dehydrogenase deficiency (PPSH). Also called: 46,XY disorder of sex development due to 5-alpha-reductase 2 deficiency; PSEUDOVAGINAL PERINEOSCROTAL HYPOSPADIAS; FAMILIAL INCOMPLETE MALE PSEUDOHERMAPHRODITISM, TYPE 2; MALE PSEUDOHERMAPHRODITISM DUE TO 5-ALPHA-REDUCTASE DEFICIENCY. Identifiers: Orphanet 753, MedGen C0268297, MONDO:0009923, OMIM 264600. Disease mechanism: loss of function.

Allele frequency attached by ClinVar (database versions not stated): TOPMed 0.00003.
gnomAD v4.1: 71 of 1,603,290 alleles (0.0044%); highest among the groups gnomAD compares: African/African-American, 0.008%; no homozygotes.

Submissions (2):

Labcorp Genetics (formerly Invitae), Labcorp
Classification: Pathogenic for 3-Oxo-5 alpha-steroid delta 4-dehydrogenase deficiency. Last evaluated: 2024-02-14. Review status: criteria provided, single submitter. Criteria: Invitae Variant Classification Sherloc (09022015). Collection method: clinical testing. Allele origin: germline.
Comment: This sequence change creates a premature translational stop signal (p.Arg103*) in the SRD5A2 gene. It is expected to result in an absent or disrupted protein product. Loss-of-function variants in SRD5A2 are known to be pathogenic (PMID: 1406794, 1944596). The frequency data for this variant in the population databases is considered unreliable, as metrics indicate poor data quality at this position in the gnomAD database. This premature translational stop signal has been observed in individual(s) with steroid-5 alpha-reductase deficiency (PMID: 11869378, 22876553). ClinVar contains an entry for this variant (Variation ID: 74593). Algorithms developed to predict the effect of sequence changes on RNA splicing suggest that this variant may disrupt the consensus splice site. For these reasons, this variant has been classified as Pathogenic.

Clinical Genetics and Genomics, Karolinska University Hospital
Classification: Pathogenic. Last evaluated: 2019-06-05. Review status: criteria provided, single submitter. Criteria: ACMG Guidelines, 2015. Collection method: clinical testing. Allele origin: germline. Affected: yes. Observed: 1 variant allele.

Literature cited by the submitters: PubMed 1406794 (cited by Labcorp Genetics (formerly Invitae), Labcorp); PubMed 1944596 (cited by Labcorp Genetics (formerly Invitae), Labcorp); PubMed 11869378 (cited by Labcorp Genetics (formerly Invitae), Labcorp); PubMed 22876553 (cited by Labcorp Genetics (formerly Invitae), Labcorp).

NM_000348.4(SRD5A2):c.307C>T (p.Arg103Ter)

Gene: SRD5A2 (steroid 5 alpha-reductase 2; minus strand). Cytogenetic location: 2p23.1.
Variant type: single nucleotide variant.
Coding change: c.307C>T on transcript NM_000348.4 (MANE Select); coding-DNA position 307, C replaced by T.
Protein change: p.Arg103Ter; replaces arginine 103 with a stop codon.
Molecular consequence: nonsense.
Genome position (GRCh38, 1-based): chr2:31,533,741, G>A on the plus strand (C>T on the coding strand, the complement: SRD5A2 is on the minus strand). VCF-style: chr2-31533741-G-A. GRCh37 (hg19) VCF-style: chr2-31758811-G-A.
Other names: short protein forms R103*.
Identifiers: ClinVar variation 74593 (VCV000074593.10), dbSNP rs267599353, ClinGen allele CA1599969.